The following is an entry in ClinVar:

ClinVar aggregate classification (germline): Uncertain significance (1 of 4 stars; one submission).

gnomAD v4.1: 1 of 1,614,136 alleles (0.000062%); highest among the groups gnomAD compares: Admixed American, 0.0017%; no homozygotes.

Submission:

Labcorp Genetics (formerly Invitae), Labcorp
Classification: Uncertain significance. Last evaluated: 2022-04-28. Review status: criteria provided, single submitter. Criteria: Invitae Variant Classification Sherloc (09022015). Collection method: clinical testing. Allele origin: germline.
Comment: This variant is not present in population databases (gnomAD no frequency). This sequence change replaces leucine, which is neutral and non-polar, with methionine, which is neutral and non-polar, at codon 440 of the RBBP8 protein (p.Leu440Met). This variant has not been reported in the literature in individuals affected with RBBP8-related conditions. Algorithms developed to predict the effect of missense changes on protein structure and function (SIFT, PolyPhen-2, Align-GVGD) all suggest that this variant is likely to be tolerated. In summary, the available evidence is currently insufficient to determine the role of this variant in disease. Therefore, it has been classified as a Variant of Uncertain Significance.

NM_002894.3(RBBP8):c.1318T>A (p.Leu440Met)

Gene: RBBP8 (RB binding protein 8, endonuclease; plus strand). Cytogenetic location: 18q11.2.
Variant type: single nucleotide variant.
Coding change: c.1318T>A on transcript NM_002894.3 (MANE Select); coding-DNA position 1318, T replaced by A.
Protein change: p.Leu440Met; replaces leucine 440 with methionine.
Molecular consequence: missense variant.
Genome position (GRCh38, 1-based): chr18:22,993,145, T>A. VCF-style: chr18-22993145-T-A. GRCh37 (hg19) VCF-style: chr18-20573108-T-A.
Other names: c.1318T>A, p.Leu440Met (NM_203291.2, NM_203292.2); short protein forms L440M.
Identifiers: ClinVar variation 2131565 (VCV002131565.4), dbSNP rs142458738, ClinGen allele CA401777275.
Genomic context (GRCh38, chr18:22,993,145, plus strand): 5'-AATAGGACTGAGTACGGTAAAGATTCTAACACTGATAAACATTTGGAGCCCCTGAAATCA[T>A]TGGGAGGCCGAACATCCAAAAGGAAGAAAACTGAGGAAGAAAGTGAACATGAAGTAAGCT-3'
Protein context (NP_002885.1, residues 430-450): TDKHLEPLKS[Leu440Met]GGRTSKRKKT